The following is an entry in ClinVar:

ClinVar aggregate classification (germline): Uncertain significance. Review status: criteria provided, multiple submitters, no conflicts (2 of 4 stars). 2 submissions from 2 submitters: Uncertain significance (2). Last evaluated 2025-09-02.

Conditions:
Idiopathic generalized epilepsy. Also called: Generalised epilepsy; EIG. Identifiers: MedGen C0270850, MONDO:0005579, OMIM 600669.
Hyperaldosteronism, familial, type IV (HALD4). Also called: FH IV; ALDOSTERONISM, PRIMARY, AND HYPERTENSION. Identifiers: Orphanet 642671, MedGen C4310756, MONDO:0014875, OMIM 617027.
Inborn genetic diseases. Identifiers: MedGen C0950123, MeSH D030342.

Allele frequency attached by ClinVar (database versions not stated): gnomAD exomes 0.00001 and 0.00002; TOPMed below 0.00001; ExAC 0.00001; gnomAD 0.00001.
gnomAD v4.1: 17 of 1,604,052 alleles (0.0011%); highest among the groups gnomAD compares: Admixed American, 0.005%; no homozygotes.

Submissions (2):

Labcorp Genetics (formerly Invitae), Labcorp
Classification: Uncertain significance for Idiopathic generalized epilepsy; Hyperaldosteronism, familial, type IV. Last evaluated: 2025-09-02. Review status: criteria provided, single submitter. Criteria: Invitae Variant Classification Sherloc (09022015). Collection method: clinical testing. Allele origin: germline.
Comment: This sequence change replaces serine, which is neutral and polar, with leucine, which is neutral and non-polar, at codon 1385 of the CACNA1H protein (p.Ser1385Leu). This variant is present in population databases (rs773333921, gnomAD 0.005%). This variant has not been reported in the literature in individuals affected with CACNA1H-related conditions. ClinVar contains an entry for this variant (Variation ID: 1036594). Invitae Evidence Modeling of protein sequence and biophysical properties (such as structural, functional, and spatial information, amino acid conservation, physicochemical variation, residue mobility, and thermodynamic stability) has been performed for this missense variant. However, the output from this modeling did not meet the statistical confidence thresholds required to predict the impact of this variant on CACNA1H protein function. In summary, the available evidence is currently insufficient to determine the role of this variant in disease. Therefore, it has been classified as a Variant of Uncertain Significance.

Ambry Genetics
Classification: Uncertain significance for Inborn genetic diseases. Last evaluated: 2022-09-06. Review status: criteria provided, single submitter. Criteria: Ambry Variant Classification Scheme 2023. Collection method: clinical testing. Allele origin: germline.

NM_021098.3(CACNA1H):c.4154C>T (p.Ser1385Leu)

Gene: CACNA1H (calcium voltage-gated channel subunit alpha1 H; plus strand). Cytogenetic location: 16p13.3.
Variant type: single nucleotide variant.
Coding change: c.4154C>T on transcript NM_021098.3 (MANE Select); coding-DNA position 4154, C replaced by T.
Protein change: p.Ser1385Leu; replaces serine 1385 with leucine.
Molecular consequence: missense variant.
Genome position (GRCh38, 1-based): chr16:1,210,902, C>T. VCF-style: chr16-1210902-C-T. GRCh37 (hg19) VCF-style: chr16-1260902-C-T.
Other names: c.4154C>T, p.Ser1385Leu (NM_001005407.2); c.4154C>T (NM_021098.2); short protein forms S1385L.
Identifiers: ClinVar variation 1036594 (VCV001036594.7), dbSNP rs773333921, ClinGen allele CA7801162.
Genomic context (GRCh38, chr16:1,210,902, plus strand): 5'-ACCTGCTGGATGGGCTGCTGGTGCTGGTGTCCCTGGTGGACATTGTCGTGGCCATGGCCT[C>T]GGCTGGTGGCGCCAAGATCCTGGGTGTTCTGCGCGTGCTGCGTCTGCTGCGGACCCTGCG-3'
Protein context (NP_066921.2, residues 1375-1395): SLVDIVVAMA[Ser1385Leu]AGGAKILGVL